The following is an entry in ClinVar:

ClinVar aggregate classification (germline): Benign/Likely benign. Review status: criteria provided, multiple submitters, no conflicts (2 of 4 stars). 4 submissions from 4 submitters: Benign (1); Likely benign (2). 1 of the submissions does not count toward it. Last evaluated 2026-01-19.

Conditions:
LAMA5-related disorder. Also called: LAMA5-related condition; LAMA5-Related Disorders.

Allele frequency attached by ClinVar (database versions not stated): gnomAD 0.00062; TOPMed 0.00065; 1000 Genomes Project 30x 0.00078; 1000 Genomes Project 0.00080; ESP Exome Variant Server 0.00054; gnomAD exomes 0.00055; ExAC 0.00062.
gnomAD v4.1: 895 of 1,612,906 alleles (0.055%); highest among the groups gnomAD compares: Middle Eastern, 0.3%; 1 homozygote.

Submissions (4):

Labcorp Genetics (formerly Invitae), Labcorp
Classification: Benign. Last evaluated: 2026-01-19. Review status: criteria provided, single submitter. Criteria: Invitae Variant Classification Sherloc (09022015). Collection method: clinical testing. Allele origin: germline.

Blueprint Genetics
Classification: Likely benign. Last evaluated: 2024-10-16. Review status: criteria provided, single submitter. Criteria: ACMG Guidelines, 2015. Collection method: clinical testing. Allele origin: germline.

CeGaT Center for Human Genetics Tuebingen
Classification: Likely benign. Last evaluated: 2024-10-01. Review status: criteria provided, single submitter. Criteria: CeGaT Center For Human Genetics Tuebingen Variant Classification Criteria Version 2. Collection method: clinical testing. Allele origin: germline. Affected: yes. Observed: 3 variant alleles.
Comment: LAMA5: BP4, BP7

PreventionGenetics, part of Exact Sciences
Classification: Likely benign for LAMA5-related condition. Last evaluated: 2019-02-28. Review status: no assertion criteria provided. Collection method: clinical testing. Allele origin: germline. Not counted in ClinVar's aggregate classification.
Comment: This variant is classified as likely benign based on ACMG/AMP sequence variant interpretation guidelines (Richards et al. 2015 PMID: 25741868, with internal and published modifications).

NM_005560.6(LAMA5):c.4179C>G (p.Pro1393=)

Gene: LAMA5 (laminin subunit alpha 5; minus strand). Cytogenetic location: 20q13.33.
Variant type: single nucleotide variant.
Coding change: c.4179C>G on transcript NM_005560.6 (MANE Select); coding-DNA position 4179, C replaced by G.
Protein change: p.Pro1393=; no amino-acid change (proline 1393 retained).
Molecular consequence: synonymous variant.
Genome position (GRCh38, 1-based): chr20:62,329,194, G>C on the plus strand (C>G on the coding strand, the complement: LAMA5 is on the minus strand). VCF-style: chr20-62329194-G-C. GRCh37 (hg19) VCF-style: chr20-60904250-G-C.
Other names: c.4179C>G (NM_005560.4).
Identifiers: ClinVar variation 2068641 (VCV002068641.30), dbSNP rs117065914, ClinGen allele CA9942689.
Genomic context (GRCh38, chr20:62,329,194, plus strand): 5'-CCACCTGATGTGGTAGCCCTGGGCTGCGCAGTGGCTGATGAAGTCATAGGATTTATCCAG[G>C]GGCTCCTCCCGGAGGTAGCCAAAGCTGTAGACGTTCTCAGGGACCACGAGTACATAATCC-3'
Protein context (NP_005551.3, residues 1383-1403): VYSFGYLREE[Pro1393=]LDKSYDFISH